The following is an entry in ClinVar:

NM_002691.4(POLD1):c.289del (p.Gln97fs)

Gene: POLD1 (DNA polymerase delta 1, catalytic subunit; plus strand). Cytogenetic location: 19q13.33.
Variant type: Deletion.
Coding change: c.289del on transcript NM_002691.4 (MANE Select); coding-DNA position 289, one base deleted (C; older notation c.289delC).
Protein change: p.Gln97fs; shifts the reading frame from glutamine 97.
Molecular consequence: frameshift variant. On other transcripts: non-coding transcript variant (1).
Genome position (GRCh38, 1-based): chr19:50,399,457, C deleted; the last of 2 consecutive C bases (chr19:50,399,456-50,399,457); deleting either gives the same sequence. VCF-style (leftmost placement, unchanged base first): chr19-50399455-TC-T. GRCh37 (hg19) VCF-style: chr19-50902712-TC-T.
Other names: c.289del, p.Gln97fs (NM_001256849.1, NM_001308632.1); short protein forms Q97fs.
Identifiers: ClinVar variation 3935569 (VCV003935569.1).
Genomic context (GRCh38, chr19:50,399,455, plus strand): 5'-ATCCTCGCTGGCTTCGGCCCACACCACCAGCGCTGGACCCCCAGACAGAGCCCCTCATCT[TC>T]CAACAGTTGGAGATTGACCATTATGTGGGTGAGTTTAGGGGTTATGGGTGAGTGCTGGGG-3'

ClinVar aggregate classification (germline): Uncertain significance (1 of 4 stars; one submission).

Conditions:
Hereditary cancer-predisposing syndrome. Also called: Tumor predisposition; Hereditary neoplastic syndrome; Hereditary Cancer Syndrome; Neoplastic Syndromes, Hereditary. Identifiers: Orphanet 140162, MedGen C0027672, MeSH D009386, MONDO:0015356.

Submission:

Ambry Genetics
Classification: Uncertain significance for Hereditary cancer-predisposing syndrome. Last evaluated: 2025-05-13. Review status: criteria provided, single submitter. Criteria: Ambry Variant Classification Scheme 2023. Collection method: clinical testing. Allele origin: germline.
Comment: The c.289delC variant, located in coding exon 2 of the POLD1 gene, results from a deletion of one nucleotide at nucleotide position 289, causing a translational frameshift with a predicted alternate stop codon (p.Q97Nfs*72). This alteration is expected to result in protein truncation or nonsense-mediated mRNA decay. However, loss of function of POLD1 has not been established as a mechanism of disease. Based on the available evidence, the clinical significance of this alteration remains unclear.